The following is an entry in ClinVar:

NM_001271938.2(MEGF8):c.3578G>A (p.Arg1193Gln)

Gene: MEGF8 (multiple EGF like domains 8; plus strand). Cytogenetic location: 19q13.2.
Variant type: single nucleotide variant.
Coding change: c.3578G>A on transcript NM_001271938.2 (MANE Select); coding-DNA position 3578, G replaced by A.
Protein change: p.Arg1193Gln; replaces arginine 1193 with glutamine.
Molecular consequence: missense variant.
Genome position (GRCh38, 1-based): chr19:42,353,492, G>A. VCF-style: chr19-42353492-G-A. GRCh37 (hg19) VCF-style: chr19-42857644-G-A.
Other names: c.3377G>A, p.Arg1126Gln (NM_001410.3); short protein forms R1126Q, R1193Q.
Identifiers: ClinVar variation 2414691 (VCV002414691.6), dbSNP rs1345582285, ClinGen allele CA406107850.

ClinVar aggregate classification (germline): Uncertain significance (1 of 4 stars; one submission).

Conditions:
MEGF8-related Carpenter syndrome. Also called: Carpenter syndrome 2. Identifiers: Orphanet 65759, MedGen C3554247, MONDO:0013998, OMIM 614976.

Allele frequency attached by ClinVar (database versions not stated): TOPMed below 0.00001; gnomAD 0.00001.

Submission:

Labcorp Genetics (formerly Invitae), Labcorp
Classification: Uncertain significance for MEGF8-related Carpenter syndrome. Last evaluated: 2025-10-27. Review status: criteria provided, single submitter. Criteria: Invitae Variant Classification Sherloc (09022015). Collection method: clinical testing. Allele origin: germline.
Comment: This sequence change replaces arginine, which is basic and polar, with glutamine, which is neutral and polar, at codon 1126 of the MEGF8 protein (p.Arg1126Gln). This variant is present in population databases (no rsID available, gnomAD 0.003%). This variant has not been reported in the literature in individuals affected with MEGF8-related conditions. ClinVar contains an entry for this variant (Variation ID: 2414691). An algorithm developed to predict the effect of missense changes on protein structure and function outputs the following: PolyPhen-2: "Benign". The glutamine amino acid residue is found in multiple mammalian species, which suggests that this missense change does not adversely affect protein function. In summary, the available evidence is currently insufficient to determine the role of this variant in disease. Therefore, it has been classified as a Variant of Uncertain Significance.